The following is an entry in ClinVar:

NM_003737.4(DCHS1):c.3003C>T (p.Asn1001=)

Gene: DCHS1 (dachsous cadherin-related 1; minus strand). Cytogenetic location: 11p15.4.
Variant type: single nucleotide variant.
Coding change: c.3003C>T on transcript NM_003737.4 (MANE Select); coding-DNA position 3003, C replaced by T.
Protein change: p.Asn1001=; no amino-acid change (asparagine 1001 retained).
Molecular consequence: synonymous variant.
Genome position (GRCh38, 1-based): chr11:6,632,509, G>A on the plus strand (C>T on the coding strand, the complement: DCHS1 is on the minus strand). VCF-style: chr11-6632509-G-A. GRCh37 (hg19) VCF-style: chr11-6653740-G-A.
Identifiers: ClinVar variation 3026747 (VCV003026747.22), dbSNP rs560921343, ClinGen allele CA217299336.

ClinVar aggregate classification (germline): Likely benign (1 of 4 stars; one submission).

Allele frequency attached by ClinVar (database versions not stated): gnomAD exomes below 0.00001; gnomAD 0.00001.
gnomAD v4.1: 3 of 1,552,152 alleles (0.00019%); highest among the groups gnomAD compares: South Asian, 0.0037%; 1 homozygote.

Submission:

CeGaT Center for Human Genetics Tuebingen
Classification: Likely benign. Last evaluated: 2024-01-01. Review status: criteria provided, single submitter. Criteria: CeGaT Center For Human Genetics Tuebingen Variant Classification Criteria Version 2. Collection method: clinical testing. Allele origin: germline. Affected: yes. Observed: 1 variant allele.
Comment: DCHS1: BP4, BP7